The following is an entry in ClinVar:

NM_000038.6(APC):c.1313-1G>T

Gene: APC (APC regulator of Wnt signaling pathway; plus strand). Cytogenetic location: 5q22.2.
Variant type: single nucleotide variant.
Coding change: c.1313-1G>T on transcript NM_000038.6 (MANE Select); the canonical splice acceptor site of the intron before coding-DNA position 1313, G replaced by T.
Molecular consequence: splice acceptor variant.
Genome position (GRCh38, 1-based): chr5:112,821,895, G>T. VCF-style: chr5-112821895-G-T. GRCh37 (hg19) VCF-style: chr5-112157592-G-T.
Other names: c.464-1G>T (NM_001407470.1, NM_001354906.2); c.161-1G>T (NM_001407472.1, NM_001407471.1); c.1313-1G>T (NM_001407447.1, NM_001354895.2, NM_001407448.1 and 4 more transcripts); c.1010-1G>T (NM_001407456.1, NM_001407460.1, NM_001407457.1 and 5 more transcripts); c.1229-1G>T (NM_001407452.1, NM_001354899.2); c.926-1G>T (NM_001407469.1, NM_001407467.1); c.1343-1G>T (NM_001407446.1, NM_001354897.2); c.1040-1G>T (NM_001354902.2); and 5 more.
Identifiers: ClinVar variation 1339656 (VCV001339656.6), dbSNP rs2149791738, ClinGen allele CA360619537.

ClinVar aggregate classification (germline): Uncertain significance. Review status: criteria provided, multiple submitters, no conflicts (2 of 4 stars). 3 submissions from 3 submitters: Uncertain significance (3). Last evaluated 2024-11-30.

Conditions:
Hereditary cancer-predisposing syndrome. Also called: Neoplastic Syndromes, Hereditary; Tumor predisposition; Hereditary Cancer Syndrome; Hereditary neoplastic syndrome. Identifiers: Orphanet 140162, MedGen C0027672, MeSH D009386, MONDO:0015356.
Familial adenomatous polyposis 1 (FAP1). Also called: POLYPOSIS, ADENOMATOUS INTESTINAL; FAMILIAL ADENOMATOUS POLYPOSIS 1, ATTENUATED. Identifiers: MedGen C2713442, MONDO:0021056, OMIM 175100. Disease mechanism: loss of function.

Submissions (3):

Women's Health and Genetics/Laboratory Corporation of America, LabCorp
Classification: Uncertain significance. Last evaluated: 2024-11-30. Review status: criteria provided, single submitter. Criteria: LabCorp Variant Classification Summary - May 2015. Collection method: clinical testing. Allele origin: germline.
Comment: Variant summary: APC c.1313-1G>T is located in a canonical splice-site and is predicted to affect mRNA splicing resulting in a significantly altered protein due to either exon skipping, shortening, or inclusion of intronic material. Variants that disrupt the consensus splice site are a relatively common cause of aberrant splicing and loss of APC function. Several computational tools predict a significant impact on normal splicing: Four predict the variant abolishes the canonical 3' splice acceptor site. Four predict the variant strengthens an alternate downstream cryptic exonic 3' splice acceptor site. In-house RNA analysis indicates that disruption of this splice site induces altered splicing and likely results in the loss of 3 and insertion of 1 amino acid residue(s), but is expected to preserve the integrity of the reading-frame (p.Met438_Ala440delinsThr, internal data). The variant was absent in 250418 control chromosomes. The available data on variant occurrences in the general population are insufficient to allow any conclusion about variant significance. To our knowledge, no occurrence of c.1313-1G>T in individuals affected with Familial Adenomatous Polyposis and no experimental evidence demonstrating its impact on protein function have been reported. At-least two recently published reports suggest a VUS outcome for this variant due to non-relevance of the ACMG PVS1-strong criterion for small in-frame insertion/deletion (Spier_2024, Yin_2024). The following publications have been ascertained in the context of this evaluation (PMID: 37800450, 39357517, Internal data). ClinVar contains an entry for this variant (Variation ID: 1339656). Based on the evidence outlined above, the variant was classified as uncertain significance.

Ambry Genetics
Classification: Uncertain significance for Hereditary cancer-predisposing syndrome. Last evaluated: 2024-02-01. Review status: criteria provided, single submitter. Criteria: Ambry Variant Classification Scheme 2023. Collection method: clinical testing. Allele origin: germline.
Comment: The c.1313-1G>T intronic variant results from a G to T substitution one nucleotide upstream from coding exon 10 of the APC gene. This nucleotide position is highly conserved in available vertebrate species. In silico splice site analysis predicts that this alteration will weaken the native splice acceptor site and will result in the creation or strengthening of a novel splice acceptor site. RNA studies have demonstrated that this alteration results in a transcript predicted to lead to a protein with an in-frame deletion of two amino acids and substitution of one amino acid; however, the exact functional impact of this change is unknown at this time (Ambry internal data). Based on the available evidence, the clinical significance of this alteration remains unclear.

Labcorp Genetics (formerly Invitae), Labcorp
Classification: Uncertain significance for Familial adenomatous polyposis 1. Last evaluated: 2023-09-26. Review status: criteria provided, single submitter. Criteria: Invitae Variant Classification Sherloc (09022015). Collection method: clinical testing. Allele origin: germline.
Comment: This sequence change affects an acceptor splice site in intron 10 of the APC gene. RNA analysis indicates that disruption of this splice site induces altered splicing and likely results in the loss of 3 and insertion of 1 amino acid residue(s), but is expected to preserve the integrity of the reading-frame. This variant is not present in population databases (gnomAD no frequency). This variant has not been reported in the literature in individuals affected with APC-related conditions. ClinVar contains an entry for this variant (Variation ID: 1339656). Studies have shown that disruption of this splice site results in the activation of a cryptic splice site in exon 10 (Invitae). In summary, the available evidence is currently insufficient to determine the role of this variant in disease. Therefore, it has been classified as a Variant of Uncertain Significance.

Literature cited by the submitters: PubMed 37800450 (cited by Women's Health and Genetics/Laboratory Corporation of America, LabCorp); PubMed 39357517 (cited by Women's Health and Genetics/Laboratory Corporation of America, LabCorp).